The following is an entry in ClinVar:

NM_000553.6(WRN):c.2512C>A (p.His838Asn)

Gene: WRN (WRN RecQ like helicase; plus strand). Cytogenetic location: 8p12.
Variant type: single nucleotide variant.
Coding change: c.2512C>A on transcript NM_000553.6 (MANE Select); coding-DNA position 2512, C replaced by A.
Protein change: p.His838Asn; replaces histidine 838 with asparagine.
Molecular consequence: missense variant.
Genome position (GRCh38, 1-based): chr8:31,120,306, C>A. VCF-style: chr8-31120306-C-A. GRCh37 (hg19) VCF-style: chr8-30977822-C-A.
Other names: short protein forms H838N.
Identifiers: ClinVar variation 1720368 (VCV001720368.5), dbSNP rs2535986448, ClinGen allele CA370915373.

ClinVar aggregate classification (germline): Uncertain significance (1 of 4 stars; one submission).

Conditions:
Werner syndrome (WRN). Identifiers: Orphanet 902, MedGen C0043119, MONDO:0010196, OMIM 277700.

Submission:

Labcorp Genetics (formerly Invitae), Labcorp
Classification: Uncertain significance for Werner syndrome. Last evaluated: 2022-09-25. Review status: criteria provided, single submitter. Criteria: Invitae Variant Classification Sherloc (09022015). Collection method: clinical testing. Allele origin: germline.
Comment: This variant is not present in population databases (gnomAD no frequency). This sequence change replaces histidine, which is basic and polar, with asparagine, which is neutral and polar, at codon 838 of the WRN protein (p.His838Asn). This variant has not been reported in the literature in individuals affected with WRN-related conditions. Algorithms developed to predict the effect of missense changes on protein structure and function are either unavailable or do not agree on the potential impact of this missense change (SIFT: "Not Available"; PolyPhen-2: "Probably Damaging"; Align-GVGD: "Not Available"). In summary, the available evidence is currently insufficient to determine the role of this variant in disease. Therefore, it has been classified as a Variant of Uncertain Significance.